The following is an entry in ClinVar:

NM_020822.3(KCNT1):c.3178-2A>G

Gene: KCNT1 (potassium sodium-activated channel subfamily T member 1; plus strand). Cytogenetic location: 9q34.3.
Variant type: single nucleotide variant.
Coding change: c.3178-2A>G on transcript NM_020822.3 (MANE Select); the canonical splice acceptor site of the intron before coding-DNA position 3178, A replaced by G.
Molecular consequence: splice acceptor variant.
Genome position (GRCh38, 1-based): chr9:135,786,195, A>G. VCF-style: chr9-135786195-A-G. GRCh37 (hg19) VCF-style: chr9-138678041-A-G.
Other names: c.3043-2A>G (NM_001272003.2).
Identifiers: ClinVar variation 3768910 (VCV003768910.1).

ClinVar aggregate classification (germline): Uncertain significance (1 of 4 stars; one submission).

Submission:

Women's Health and Genetics/Laboratory Corporation of America, LabCorp
Classification: Uncertain significance. Last evaluated: 2025-02-20. Review status: criteria provided, single submitter. Criteria: LabCorp Variant Classification Summary - May 2015. Collection method: clinical testing. Allele origin: germline.
Comment: Variant summary: KCNT1 c.3178-2A>G is located in a canonical splice-site and is predicted to affect mRNA splicing resulting in a significantly altered protein due to either exon skipping, shortening, or inclusion of intronic material. Variants that disrupt the consensus splice site are a relatively common cause of aberrant splicing, however current evidence is not sufficient to establish loss of function as a mechanism for disease. Several computational tools predict a significant impact on normal splicing: Three predict the variant abolishes a 3' acceptor site. Four predict the variant creates a 3' acceptor site. However, these predictions have yet to be confirmed by functional studies. The variant was absent in 231722 control chromosomes (gnomAD). The available data on variant occurrences in the general population are insufficient to allow any conclusion about variant significance. To our knowledge, no occurrence of c.3178-2A>G in individuals affected with Developmental And Epileptic Encephalopathy, 14 and no experimental evidence demonstrating its impact on protein function have been reported. No submitters have cited clinical-significance assessments for this variant to ClinVar. Based on the evidence outlined above, the variant was classified as uncertain significance.